The following is an entry in ClinVar:

NM_001172509.2(SATB2):c.346+16238C>A

Gene: SATB2 (SATB homeobox 2; minus strand). Cytogenetic location: 2q33.1.
Variant type: single nucleotide variant.
Coding change: c.346+16238C>A on transcript NM_001172509.2 (MANE Select); 16238 bases into the intron after coding-DNA position 346, C replaced by A.
Molecular consequence: intron variant.
Genome position (GRCh38, 1-based): chr2:199,417,100, G>T on the plus strand (C>A on the coding strand, the complement: SATB2 is on the minus strand). VCF-style: chr2-199417100-G-T. GRCh37 (hg19) VCF-style: chr2-200281823-G-T.
Other names: c.346+16238C>A (NM_001172517.1, NM_015265.4).
Identifiers: ClinVar variation 4890706 (VCV004890706.1).

ClinVar aggregate classification (germline): Uncertain significance (1 of 4 stars; one submission).

Conditions:
Chromosome 2q32-q33 deletion syndrome (GLASS). Also called: 2q33.1 deletion syndrome; Glass syndrome. Identifiers: Orphanet 251019, MedGen C2676739, MONDO:0012864, OMIM 612313.

Submission:

Institute of Human Genetics, University of Leipzig Medical Center
Classification: Uncertain significance for Chromosome 2q32-q33 deletion syndrome. Last evaluated: 2026-08-05. Review status: criteria provided, single submitter. Criteria: ACMG Guidelines, 2015. Collection method: clinical testing. Allele origin: de novo. Inheritance: Autosomal dominant inheritance. Affected: yes.
Comment: Criteria applied: PS2_MOD,PM2,PP3